The following is an entry in ClinVar:

ClinVar aggregate classification (germline): Uncertain significance (1 of 4 stars; one submission).

Conditions:
Hereditary pancreatitis (PCTT). Also called: Hereditary chronic pancreatitis; PRSS1-Related Hereditary Pancreatitis. Identifiers: Orphanet 676, MedGen C0238339, MONDO:0008185, OMIM 167800.

Submission:

Ambry Genetics
Classification: Uncertain significance for Hereditary pancreatitis. Last evaluated: 2025-06-20. Review status: criteria provided, single submitter. Criteria: Ambry Variant Classification Scheme 2023. Collection method: clinical testing. Allele origin: germline.
Comment: The p.V236L variant (also known as c.706G>C), located in coding exon 5 of the PRSS1 gene, results from a G to C substitution at nucleotide position 706. The valine at codon 236 is replaced by leucine, an amino acid with highly similar properties. This amino acid position is conserved. In addition, this alteration is predicted to be tolerated by in silico analysis. Based on the available evidence, the clinical significance of this variant remains unclear.

NM_002769.5(PRSS1):c.706G>C (p.Val236Leu)

Genes: PRSS1 (serine protease 1; plus strand), TRB (T cell receptor beta locus; plus strand). Cytogenetic location: 7q34.
Variant type: single nucleotide variant.
Coding change: c.706G>C on transcript NM_002769.5 (MANE Select); coding-DNA position 706, G replaced by C.
Protein change: p.Val236Leu; replaces valine 236 with leucine.
Molecular consequence: missense variant. On other transcripts: non-coding transcript variant (5).
Genome position (GRCh38, 1-based): chr7:142,752,982, G>C. VCF-style: chr7-142752982-G-C. GRCh37 (hg19) VCF-style: chr7-142460833-G-C.
Other names: short protein forms V236L.
Identifiers: ClinVar variation 4145693 (VCV004145693.1).
Genomic context (GRCh38, chr7:142,752,982, plus strand): 5'-TGGGGTGATGGCTGTGCCCAGAAGAACAAGCCTGGAGTCTACACCAAGGTCTACAACTAT[G>C]TGAAATGGATTAAGAACACCATAGCTGCCAATAGCTAAAGCCCCCAGTATCTCTTCAGTC-3'
Protein context (NP_002760.1, residues 226-246): PGVYTKVYNY[Val236Leu]KWIKNTIAAN